The following is an entry in ClinVar:

NM_000053.4(ATP7B):c.1496G>C (p.Cys499Ser)

Gene: ATP7B (ATPase copper transporting beta; minus strand). Cytogenetic location: 13q14.3.
Variant type: single nucleotide variant.
Coding change: c.1496G>C on transcript NM_000053.4 (MANE Select); coding-DNA position 1496, G replaced by C.
Protein change: p.Cys499Ser; replaces cysteine 499 with serine.
Molecular consequence: missense variant.
Genome position (GRCh38, 1-based): chr13:51,970,539, C>G on the plus strand (G>C on the coding strand, the complement: ATP7B is on the minus strand). VCF-style: chr13-51970539-C-G. GRCh37 (hg19) VCF-style: chr13-52544675-C-G.
Other names: c.1496G>C, p.Cys499Ser (NM_001005918.3, NM_001330578.2, NM_001330579.2 and 28 more transcripts); c.1163G>C, p.Cys388Ser (NM_001243182.2); c.1400G>C, p.Cys467Ser (NM_001406530.1, NM_001406544.1, NM_001406517.1 and 3 more transcripts); c.1067G>C, p.Cys356Ser (NM_001406539.1); short protein forms C388S, C356S, C467S, C499S.
Identifiers: ClinVar variation 2164881 (VCV002164881.1), dbSNP rs61733681, ClinGen allele CA250065555.

ClinVar aggregate classification (germline): Uncertain significance (1 of 4 stars; one submission).

Conditions:
Wilson disease (WND). Also called: Wilson's disease. Identifiers: Orphanet 905, MedGen C0019202, MONDO:0010200, OMIM 277900. Disease mechanism: loss of function.

Submission:

Labcorp Genetics (formerly Invitae), Labcorp
Classification: Uncertain significance for Wilson disease. Last evaluated: 2022-07-02. Review status: criteria provided, single submitter. Criteria: Invitae Variant Classification Sherloc (09022015). Collection method: clinical testing. Allele origin: germline.
Comment: This sequence change replaces cysteine, which is neutral and slightly polar, with serine, which is neutral and polar, at codon 499 of the ATP7B protein (p.Cys499Ser). This variant is not present in population databases (gnomAD no frequency). This variant has not been reported in the literature in individuals affected with ATP7B-related conditions. Advanced modeling of protein sequence and biophysical properties (such as structural, functional, and spatial information, amino acid conservation, physicochemical variation, residue mobility, and thermodynamic stability) performed at Invitae indicates that this missense variant is expected to disrupt ATP7B protein function. In summary, the available evidence is currently insufficient to determine the role of this variant in disease. Therefore, it has been classified as a Variant of Uncertain Significance.